The following is an entry in ClinVar:

NM_001999.4(FBN2):c.125C>T (p.Pro42Leu)

Gene: FBN2 (fibrillin 2; minus strand). Cytogenetic location: 5q23.3.
Variant type: single nucleotide variant.
Coding change: c.125C>T on transcript NM_001999.4 (MANE Select); coding-DNA position 125, C replaced by T.
Protein change: p.Pro42Leu; replaces proline 42 with leucine.
Molecular consequence: missense variant.
Genome position (GRCh38, 1-based): chr5:128,537,479, G>A on the plus strand (C>T on the coding strand, the complement: FBN2 is on the minus strand). VCF-style: chr5-128537479-G-A. GRCh37 (hg19) VCF-style: chr5-127873172-G-A.
Other names: short protein forms P42L.
Identifiers: ClinVar variation 213261 (VCV000213261.15), dbSNP rs773011327, ClinGen allele CA324396.

ClinVar aggregate classification (germline): Conflicting classifications of pathogenicity. Review status: criteria provided, conflicting classifications (1 of 4 stars). 3 submissions from 3 submitters: Uncertain significance (2); Likely benign (1). Last evaluated 2026-01-18.

Conditions:
Congenital contractural arachnodactyly (CCA). Also called: Beals-Hecht syndrome; BEALS SYNDROME; Arthrogryposis, distal, type 9. Identifiers: Orphanet 115, MedGen C0220668, MONDO:0007363, OMIM 121050.
Familial thoracic aortic aneurysm and aortic dissection (TAAD). Also called: Thoracic aortic aneurysms and dissections. Identifiers: Orphanet 91387, MedGen C4707243, MONDO:0019625.

Allele frequency attached by ClinVar (database versions not stated): gnomAD exomes below 0.00001 and 0.00001; gnomAD 0.00002; TOPMed 0.00002; ExAC 0.00003.

Submissions (3):

Labcorp Genetics (formerly Invitae), Labcorp
Classification: Likely benign for Congenital contractural arachnodactyly. Last evaluated: 2026-01-18. Review status: criteria provided, single submitter. Criteria: Invitae Variant Classification Sherloc (09022015). Collection method: clinical testing. Allele origin: germline.

GeneDx
Classification: Uncertain significance. Last evaluated: 2024-12-16. Review status: criteria provided, single submitter. Criteria: GeneDx Variant Classification Process June 2021. Collection method: clinical testing. Allele origin: germline. Affected: yes.
Comment: Has not been previously published as pathogenic or benign to our knowledge; Not observed at significant frequency in large population cohorts (gnomAD); In silico analysis indicates that this missense variant does not alter protein structure/function

Ambry Genetics
Classification: Uncertain significance for Familial thoracic aortic aneurysm and aortic dissection. Last evaluated: 2024-07-23. Review status: criteria provided, single submitter. Criteria: Ambry Variant Classification Scheme 2023. Collection method: clinical testing. Allele origin: germline.
Comment: The p.P42L variant (also known as c.125C>T), located in coding exon 1 of the FBN2 gene, results from a C to T substitution at nucleotide position 125. The proline at codon 42 is replaced by leucine, an amino acid with similar properties. This amino acid position is not well conserved in available vertebrate species. In addition, the in silico prediction for this alteration is inconclusive. Based on the available evidence, the clinical significance of this variant remains unclear.